The following is an entry in ClinVar:

NM_018344.6(SLC29A3):c.207CTT[1] (p.Phe71del)

Gene: SLC29A3 (solute carrier family 29 member 3; plus strand). Cytogenetic location: 10q22.1.
Variant type: Microsatellite.
Coding change: c.207CTT[1] on transcript NM_018344.6 (MANE Select); one copy of the 3-base unit CTT starting at c.207; the reference has two copies in a row; one copy, 3 bases deleted.
Protein change: p.Phe71del; deletes phenylalanine 71.
Molecular consequence: inframe deletion. On other transcripts: 5 prime UTR variant (1), non-coding transcript variant (2).
Genome position (GRCh38, 1-based): chr10:71,322,964-71,322,966, CTT deleted; deleting any 3 consecutive bases within chr10:71,322,961-71,322,966 gives the same sequence; the position shown is the placement nearest the transcript's 3' end. VCF-style (leftmost placement, unchanged base first): chr10-71322960-ACTT-A. GRCh37 (hg19) VCF-style: chr10-73082717-ACTT-A.
Other names: c.207CTT[1], p.Phe71del (NM_001174098.2); c.-28CTT[1] (NM_001363518.2); short protein forms F71del.
Identifiers: ClinVar variation 1421961 (VCV001421961.1), dbSNP rs766108072, ClinGen allele CA5542849.

ClinVar aggregate classification (germline): Uncertain significance (1 of 4 stars; one submission).

Conditions:
H syndrome. Also called: HISTIOCYTOSIS AND LYMPHADENOPATHY WITH OR WITHOUT CUTANEOUS, CARDIAC, AND/OR ENDOCRINE FEATURES, JOINT CONTRACTURES, AND/OR DEAFNESS; HYPERPIGMENTATION, CUTANEOUS, WITH HYPERTRICHOSIS, HEPATOSPLENOMEGALY, HEART ANOMALIES, AND HYPOGONADISM WITH OR WITHOUT HEARING LOSS; PIGMENTED HYPERTRICHOSIS WITH INSULIN-DEPENDENT DIABETES MELLITUS; ROSAI-DORFMAN DISEASE, FAMILIAL; SINUS HISTIOCYTOSIS AND MASSIVE LYMPHADENOPATHY; Hyperpigmentation, Cutaneous, with Hypertrichosis, Hepatosplenomegaly, Heart Anomalies, Hearing Loss, and Hypogonadism. Identifiers: Orphanet 168569, MedGen C1864445, MONDO:0011273, OMIM 602782.

Submission:

Labcorp Genetics (formerly Invitae), Labcorp
Classification: Uncertain significance for H syndrome. Last evaluated: 2021-10-07. Review status: criteria provided, single submitter. Criteria: Invitae Variant Classification Sherloc (09022015). Collection method: clinical testing. Allele origin: germline.
Comment: This variant, c.210_212del, results in the deletion of 1 amino acid(s) of the SLC29A3 protein (p.Phe71del), but otherwise preserves the integrity of the reading frame. This variant is present in population databases (rs766108072, ExAC 0.003%). This variant has not been reported in the literature in individuals affected with SLC29A3-related conditions. Experimental studies and prediction algorithms are not available or were not evaluated, and the functional significance of this variant is currently unknown. In summary, the available evidence is currently insufficient to determine the role of this variant in disease. Therefore, it has been classified as a Variant of Uncertain Significance.